The following is an entry in ClinVar:

ClinVar aggregate classification (germline): Uncertain significance (1 of 4 stars; one submission).

Conditions:
Hyperphosphatasia with impaired intellectual development syndrome 2. Also called: Hyperphosphatasia with intellectual disability syndrome 2; GLYCOSYLPHOSPHATIDYLINOSITOL BIOSYNTHESIS DEFECT 6. Identifiers: Orphanet 247262, MedGen C3553637, MONDO:0013882, OMIM 614749.

gnomAD v4.1: 1 of 1,614,234 alleles (0.000062%); highest among the groups gnomAD compares: South Asian, 0.0011%; no homozygotes.

Submission:

Labcorp Genetics (formerly Invitae), Labcorp
Classification: Uncertain significance for Hyperphosphatasia with impaired intellectual development syndrome 2. Last evaluated: 2024-02-16. Review status: criteria provided, single submitter. Criteria: Invitae Variant Classification Sherloc (09022015). Collection method: clinical testing. Allele origin: germline.
Comment: This sequence change replaces valine, which is neutral and non-polar, with isoleucine, which is neutral and non-polar, at codon 911 of the PIGO protein (p.Val911Ile). This variant is not present in population databases (gnomAD no frequency). This variant has not been reported in the literature in individuals affected with PIGO-related conditions. ClinVar contains an entry for this variant (Variation ID: 1402274). Advanced modeling of protein sequence and biophysical properties (such as structural, functional, and spatial information, amino acid conservation, physicochemical variation, residue mobility, and thermodynamic stability) performed at Invitae indicates that this missense variant is not expected to disrupt PIGO protein function with a negative predictive value of 80%. In summary, the available evidence is currently insufficient to determine the role of this variant in disease. Therefore, it has been classified as a Variant of Uncertain Significance.

NM_032634.4(PIGO):c.2731G>A (p.Val911Ile)

Gene: PIGO (phosphatidylinositol glycan anchor biosynthesis class O; minus strand). Cytogenetic location: 9p13.3.
Variant type: single nucleotide variant.
Coding change: c.2731G>A on transcript NM_032634.4 (MANE Select); coding-DNA position 2731, G replaced by A.
Protein change: p.Val911Ile; replaces valine 911 with isoleucine.
Molecular consequence: missense variant.
Genome position (GRCh38, 1-based): chr9:35,090,589, C>T on the plus strand (G>A on the coding strand, the complement: PIGO is on the minus strand). VCF-style: chr9-35090589-C-T. GRCh37 (hg19) VCF-style: chr9-35090586-C-T.
Other names: c.1480G>A, p.Val494Ile (NM_001201484.2, NM_152850.4); short protein forms V494I, V911I.
Identifiers: ClinVar variation 1402274 (VCV001402274.6), dbSNP rs779624264, ClinGen allele CA373318300.